The following is an entry in ClinVar:

NM_000053.4(ATP7B):c.1106C>T (p.Thr369Ile)

Gene: ATP7B (ATPase copper transporting beta; minus strand). Cytogenetic location: 13q14.3.
Variant type: single nucleotide variant.
Coding change: c.1106C>T on transcript NM_000053.4 (MANE Select); coding-DNA position 1106, C replaced by T.
Protein change: p.Thr369Ile; replaces threonine 369 with isoleucine.
Molecular consequence: missense variant. On other transcripts: intron variant (2).
Genome position (GRCh38, 1-based): chr13:51,974,114, G>A on the plus strand (C>T on the coding strand, the complement: ATP7B is on the minus strand). VCF-style: chr13-51974114-G-A. GRCh37 (hg19) VCF-style: chr13-52548250-G-A.
Other names: c.1106C>T, p.Thr369Ile (NM_001005918.3, NM_001330578.2, NM_001330579.2 and 29 more transcripts); c.1010C>T, p.Thr337Ile (NM_001406517.1, NM_001406518.1, NM_001406530.1 and 3 more transcripts); c.803-30C>T (NM_001243182.2); c.707-30C>T (NM_001406539.1); short protein forms T337I, T369I.
Identifiers: ClinVar variation 3361468 (VCV003361468.1).
Genomic context (GRCh38, chr13:51,974,114, plus strand): 5'-TGCTGCACCCCTTCCAGTTGGGAGATCATGCCTTCAATGGAATGGACACAGGATGCACAG[G>A]TCATGCCGGCAATGGCAATCAGAGTGGTACTGCATGTGCCCTGGACCTGGTTTCTCGGTG-3'
Protein context (NP_000044.2, residues 359-379): STTLIAIAGM[Thr369Ile]CASCVHSIEG

ClinVar aggregate classification (germline): Uncertain significance (1 of 4 stars; one submission).

Submission:

GeneDx
Classification: Uncertain significance. Last evaluated: 2023-07-24. Review status: criteria provided, single submitter. Criteria: GeneDx Variant Classification Process June 2021. Collection method: clinical testing. Allele origin: germline. Affected: yes.
Comment: Not observed at significant frequency in large population cohorts (gnomAD); In silico analysis supports that this missense variant has a deleterious effect on protein structure/function; Has not been previously published as pathogenic or benign to our knowledge